The following is an entry in ClinVar:

NM_004974.4(KCNA2):c.1130A>G (p.Tyr377Cys)

Gene: KCNA2 (potassium voltage-gated channel subfamily A member 2; minus strand). Cytogenetic location: 1p13.3.
Variant type: single nucleotide variant.
Coding change: c.1130A>G on transcript NM_004974.4 (MANE Select); coding-DNA position 1130, A replaced by G.
Protein change: p.Tyr377Cys; replaces tyrosine 377 with cysteine.
Molecular consequence: missense variant. On other transcripts: intron variant (1).
Genome position (GRCh38, 1-based): chr1:110,603,653, T>C on the plus strand (A>G on the coding strand, the complement: KCNA2 is on the minus strand). VCF-style: chr1-110603653-T-C. GRCh37 (hg19) VCF-style: chr1-111146275-T-C.
Other names: c.894+236A>G (NM_001204269.2); short protein forms Y377C.
Identifiers: ClinVar variation 1803044 (VCV001803044.3), dbSNP rs2524616704, ClinGen allele CA341601719.

ClinVar aggregate classification (germline): Pathogenic/Likely pathogenic. Review status: criteria provided, multiple submitters, no conflicts (2 of 4 stars). 3 submissions from 3 submitters: Pathogenic (1); Likely pathogenic (2). Last evaluated 2026-01-26.

Conditions:
Inborn genetic diseases. Identifiers: MedGen C0950123, MeSH D030342.
Developmental and epileptic encephalopathy, 32 (DEE32). Also called: Epileptic encephalopathy, early infantile, 32. Identifiers: Orphanet 442835, MedGen C4225350, MONDO:0014607, OMIM 616366.

Submissions (3):

Medical and Scientific Branch, Hong Kong Genome Institute
Classification: Likely pathogenic for Developmental and epileptic encephalopathy, 32. Last evaluated: 2026-01-26. Review status: criteria provided, single submitter. Criteria: ACMG Guidelines, 2015. Collection method: clinical testing. Allele origin: de novo. Affected: yes.

Ambry Genetics
Classification: Pathogenic for Inborn genetic diseases. Last evaluated: 2024-06-14. Review status: criteria provided, single submitter. Criteria: Ambry Variant Classification Scheme 2023. Collection method: clinical testing. Allele origin: germline.
Comment: The c.1130A>G (p.Y377C) alteration is located in exon 3 (coding exon 1) of the KCNA2 gene. This alteration results from an A to G substitution at nucleotide position 1130, causing the tyrosine (Y) at amino acid position 377 to be replaced by a cysteine (C). This variant was not reported in population-based cohorts in the Genome Aggregation Database (gnomAD). This variant was reported de novo in one individual with features consistent with KCNA2-related developmental and epileptic encephalopathy (Kim, 2022). This amino acid position is highly conserved in available vertebrate species. This missense alteration is located in a region that has a low rate of benign missense variation (Lek, 2016; Firth, 2009). This alteration is predicted to be deleterious by in silico analysis. Based on the available evidence, this alteration is classified as pathogenic.

Diagnostic Genetics, Severance Hospital, Yonsei University College of Medicine
Classification: Likely pathogenic for Developmental and epileptic encephalopathy, 32. Last evaluated: 2022-02-03. Review status: criteria provided, single submitter. Criteria: ACMG Guidelines, 2015. Collection method: clinical testing. Allele origin: de novo. Affected: yes.

Literature cited by the submitters: PubMed 36619507 (cited by Ambry Genetics).